The following is an entry in ClinVar:

NM_006208.3(ENPP1):c.1939G>A (p.Ala647Thr)

Gene: ENPP1 (ectonucleotide pyrophosphatase/phosphodiesterase 1; plus strand). Cytogenetic location: 6q23.2.
Variant type: single nucleotide variant.
Coding change: c.1939G>A on transcript NM_006208.3 (MANE Select); coding-DNA position 1939, G replaced by A.
Protein change: p.Ala647Thr; replaces alanine 647 with threonine.
Molecular consequence: missense variant.
Genome position (GRCh38, 1-based): chr6:131,878,587, G>A. VCF-style: chr6-131878587-G-A. GRCh37 (hg19) VCF-style: chr6-132199727-G-A.
Other names: short protein forms A647T.
Identifiers: ClinVar variation 4776092 (VCV004776092.1).
Genomic context (GRCh38, chr6:131,878,587, plus strand): 5'-TATAACCTTTTTTAGATTTTGCCGATTGAGGATTTTCAAACACAGTTCAATCTGACTGTG[G>A]CAGAAGGTAAGGCATGCTACACACTCAAGCTCGGAATGTGAAGCAGGCATTTTCTCATCA-3'
Protein context (NP_006199.2, residues 637-657): DFQTQFNLTV[Ala647Thr]EEKIIKHETL

ClinVar aggregate classification (germline): Uncertain significance (1 of 4 stars; one submission).

Submission:

Labcorp Genetics (formerly Invitae), Labcorp
Classification: Uncertain significance. Last evaluated: 2025-12-23. Review status: criteria provided, single submitter. Criteria: Invitae Variant Classification Sherloc (09022015). Collection method: clinical testing. Allele origin: germline.
Comment: This sequence change replaces alanine, which is neutral and non-polar, with threonine, which is neutral and polar, at codon 647 of the ENPP1 protein (p.Ala647Thr). This variant is not present in population databases (gnomAD no frequency). This variant has not been reported in the literature in individuals affected with ENPP1-related conditions. An algorithm developed to predict the effect of missense changes on protein structure and function outputs the following: PolyPhen-2: "Benign". The threonine amino acid residue is found in multiple mammalian species, which suggests that this missense change does not adversely affect protein function. In summary, the available evidence is currently insufficient to determine the role of this variant in disease. Therefore, it has been classified as a Variant of Uncertain Significance.